The following is an entry in ClinVar:

NM_001017403.2(LGR6):c.2277G>A (p.Pro759=)

Gene: LGR6 (leucine rich repeat containing G protein-coupled receptor 6; plus strand). Cytogenetic location: 1q32.1.
Variant type: single nucleotide variant.
Coding change: c.2277G>A on transcript NM_001017403.2 (MANE Select); coding-DNA position 2277, G replaced by A.
Protein change: p.Pro759=; no amino-acid change (proline 759 retained).
Molecular consequence: synonymous variant.
Genome position (GRCh38, 1-based): chr1:202,318,580, G>A. VCF-style: chr1-202318580-G-A. GRCh37 (hg19) VCF-style: chr1-202287708-G-A.
Other names: c.1860G>A, p.Pro620= (NM_001017404.2); c.2121G>A, p.Pro707= (NM_021636.3).
Identifiers: ClinVar variation 2639786 (VCV002639786.24), dbSNP rs111282373, ClinGen allele CA1332154.

ClinVar aggregate classification (germline): Likely benign (1 of 4 stars; one submission).

Allele frequency attached by ClinVar (database versions not stated): gnomAD exomes 0.00034; ExAC 0.00097; 1000 Genomes Project 0.00240; ESP Exome Variant Server 0.00261; 1000 Genomes Project 30x 0.00312.
gnomAD v4.1: 913 of 1,613,990 alleles (0.057%); highest among the groups gnomAD compares: African/African-American, 0.95%; 4 homozygotes.

Submission:

CeGaT Center for Human Genetics Tuebingen
Classification: Likely benign. Last evaluated: 2022-12-01. Review status: criteria provided, single submitter. Criteria: CeGaT Center For Human Genetics Tuebingen Variant Classification Criteria Version 2. Collection method: clinical testing. Allele origin: germline. Affected: yes. Observed: 1 variant allele.
Comment: LGR6: BP4, BP7, BS2